The following is an entry in ClinVar:

NM_001034116.2(EIF2B4):c.104_108del (p.Glu35fs)

Gene: EIF2B4 (eukaryotic translation initiation factor 2B subunit delta; minus strand). Cytogenetic location: 2p23.3.
Variant type: Deletion.
Coding change: c.104_108del on transcript NM_001034116.2 (MANE Select); coding-DNA positions 104 to 108, 5 bases deleted (AAAAG; older notation c.104_108delAAAAG).
Protein change: p.Glu35fs; shifts the reading frame from glutamic acid 35.
Molecular consequence: frameshift variant. On other transcripts: 5 prime UTR variant (2).
Genome position (GRCh38, 1-based): chr2:27,369,517-27,369,521, CTTTT deleted on the plus strand (AAAAG on the coding strand, the reverse complement: EIF2B4 is on the minus strand); deleting any 5 consecutive bases within chr2:27,369,517-27,369,524 gives the same sequence; the c. name uses the placement nearest the transcript's 3' end. VCF-style (leftmost placement, unchanged base first): chr2-27369516-GCTTTT-G. GRCh37 (hg19) VCF-style: chr2-27592383-GCTTTT-G.
Other names: c.167_171del, p.Glu56fs (NM_001318965.2, NM_172195.4); c.59_63del, p.Glu20fs (NM_001318966.2); c.14_18del, p.Glu5fs (NM_001318967.2); c.-412_-408del (NM_001318968.2); c.-489_-485del (NM_001318969.2); c.104_108del, p.Glu35fs (NM_015636.4); short protein forms E20fs, E35fs, E5fs, E56fs.
Identifiers: ClinVar variation 2759961 (VCV002759961.3), dbSNP rs2465530027, ClinGen allele CA2658338183.

ClinVar aggregate classification (germline): Pathogenic (1 of 4 stars; one submission).

Submission:

Labcorp Genetics (formerly Invitae), Labcorp
Classification: Pathogenic. Last evaluated: 2023-09-10. Review status: criteria provided, single submitter. Criteria: Invitae Variant Classification Sherloc (09022015). Collection method: clinical testing. Allele origin: germline.
Comment: For these reasons, this variant has been classified as Pathogenic. This variant has not been reported in the literature in individuals affected with EIF2B4-related conditions. This variant is not present in population databases (gnomAD no frequency). This sequence change creates a premature translational stop signal (p.Glu35Alafs*60) in the EIF2B4 gene. It is expected to result in an absent or disrupted protein product. Loss-of-function variants in EIF2B4 are known to be pathogenic (PMID: 11835386, 15776425, 16807905).

Literature cited by the submitters: PubMed 11835386; PubMed 15776425; PubMed 16807905.